The following is an entry in ClinVar:

NM_000260.4(MYO7A):c.1537G>C (p.Glu513Gln)

Gene: MYO7A (myosin VIIA; plus strand). Cytogenetic location: 11q13.5.
Variant type: single nucleotide variant.
Coding change: c.1537G>C on transcript NM_000260.4 (MANE Select); coding-DNA position 1537, G replaced by C.
Protein change: p.Glu513Gln; replaces glutamic acid 513 with glutamine.
Molecular consequence: missense variant.
Genome position (GRCh38, 1-based): chr11:77,162,313, G>C. VCF-style: chr11-77162313-G-C. GRCh37 (hg19) VCF-style: chr11-76873359-G-C.
Other names: c.1537G>C, p.Glu513Gln (NM_001127180.2); c.1504G>C, p.Glu502Gln (NM_001369365.1); short protein forms E502Q, E513Q.
Identifiers: ClinVar variation 4818013 (VCV004818013.1).

ClinVar aggregate classification (germline): Likely pathogenic (1 of 4 stars; one submission).

Conditions:
Usher syndrome type 1B (USH1B). Also called: Usher syndrome type IB. Identifiers: MedGen C1848638, MONDO:0700087.

gnomAD v4.1: 2 of 1,551,770 alleles (0.00013%); highest among the groups gnomAD compares: East Asian, 0.0049%; no homozygotes.

Submission:

Natera, Inc.
Classification: Likely pathogenic for Usher syndrome type 1B. Last evaluated: 2024-06-26. Review status: criteria provided, single submitter. Criteria: Natera Variant Classification Schema (03/2026). Collection method: clinical testing. Allele origin: germline.
Comment: The c.1537G>C variant in MYO7A is a missense variant predicted to cause substitution of glutamic acid to glutamine at amino acid 513. This variant is rare in the general population with a frequency below the threshold expected for the associated phenotype(s). This variant has been observed in one or more individuals affected with the associated recessive disease, as either homozygous or compound heterozygous with a second variant (PMID: 38594301). Computational prediction algorithms indicate this variant is likely to affect gene or protein function. Given the available evidence, this variant is classified as Likely Pathogenic.

Literature cited by the submitters: PubMed 38594301.